The following is an entry in ClinVar:

NM_002691.4(POLD1):c.1636C>G (p.Leu546Val)

Gene: POLD1 (DNA polymerase delta 1, catalytic subunit; plus strand). Cytogenetic location: 19q13.33.
Variant type: single nucleotide variant.
Coding change: c.1636C>G on transcript NM_002691.4 (MANE Select); coding-DNA position 1636, C replaced by G.
Protein change: p.Leu546Val; replaces leucine 546 with valine.
Molecular consequence: missense variant. On other transcripts: non-coding transcript variant (1).
Genome position (GRCh38, 1-based): chr19:50,407,124, C>G. VCF-style: chr19-50407124-C-G. GRCh37 (hg19) VCF-style: chr19-50910381-C-G.
Other names: c.1636C>G, p.Leu546Val (NM_001256849.1, NM_001308632.1); c.1636C>G (NM_002691.2); short protein forms L546V.
Identifiers: ClinVar variation 1038569 (VCV001038569.10), dbSNP rs1263352176, ClinGen allele CA406981023.

ClinVar aggregate classification (germline): Uncertain significance. Review status: criteria provided, multiple submitters, no conflicts (2 of 4 stars). 2 submissions from 2 submitters: Uncertain significance (2). Last evaluated 2024-04-29.

Conditions:
POLD1-related polyposis and colorectal cancer syndrome (CRCS10). Also called: Colorectal cancer 10; COLORECTAL CANCER, SUSCEPTIBILITY TO, ON CHROMOSOME 19q; Colorectal cancer, susceptibility to, 10. Identifiers: Orphanet 220460, MedGen C2675481, MONDO:0012953, OMIM 612591.
Hereditary cancer-predisposing syndrome. Also called: Tumor predisposition; Hereditary Cancer Syndrome; Hereditary neoplastic syndrome; Neoplastic Syndromes, Hereditary. Identifiers: Orphanet 140162, MedGen C0027672, MeSH D009386, MONDO:0015356.

Allele frequency attached by ClinVar (database versions not stated): TOPMed 0.00001.

Submissions (2):

Labcorp Genetics (formerly Invitae), Labcorp
Classification: Uncertain significance for POLD1-related polyposis and colorectal cancer syndrome. Last evaluated: 2024-04-29. Review status: criteria provided, single submitter. Criteria: Invitae Variant Classification Sherloc (09022015). Collection method: clinical testing. Allele origin: germline.
Comment: This sequence change replaces leucine, which is neutral and non-polar, with valine, which is neutral and non-polar, at codon 546 of the POLD1 protein (p.Leu546Val). This variant is not present in population databases (gnomAD no frequency). This variant has not been reported in the literature in individuals affected with POLD1-related conditions. ClinVar contains an entry for this variant (Variation ID: 1038569). Advanced modeling of protein sequence and biophysical properties (such as structural, functional, and spatial information, amino acid conservation, physicochemical variation, residue mobility, and thermodynamic stability) performed at Invitae indicates that this missense variant is not expected to disrupt POLD1 protein function with a negative predictive value of 80%. In summary, the available evidence is currently insufficient to determine the role of this variant in disease. Therefore, it has been classified as a Variant of Uncertain Significance.

Ambry Genetics
Classification: Uncertain significance for Hereditary cancer-predisposing syndrome. Last evaluated: 2023-01-05. Review status: criteria provided, single submitter. Criteria: Ambry Variant Classification Scheme 2023. Collection method: clinical testing. Allele origin: germline.
Comment: The p.L546V variant (also known as c.1636C>G), located in coding exon 12 of the POLD1 gene, results from a C to G substitution at nucleotide position 1636. The leucine at codon 546 is replaced by valine, an amino acid with highly similar properties. This amino acid position is conserved. In addition, the in silico prediction for this alteration is inconclusive. Since supporting evidence is limited at this time, the clinical significance of this alteration remains unclear.